The following is an entry in ClinVar:

NM_001148.6(ANK2):c.2329A>G (p.Ile777Val)

Gene: ANK2 (ankyrin 2; plus strand). Cytogenetic location: 4q26.
Variant type: single nucleotide variant.
Coding change: c.2329A>G on transcript NM_001148.6 (MANE Select); coding-DNA position 2329, A replaced by G.
Protein change: p.Ile777Val; replaces isoleucine 777 with valine.
Molecular consequence: missense variant.
Genome position (GRCh38, 1-based): chr4:113,292,467, A>G. VCF-style: chr4-113292467-A-G. GRCh37 (hg19) VCF-style: chr4-114213623-A-G.
Other names: c.2266A>G, p.Ile756Val (NM_001127493.3, NM_001354239.2, NM_001354243.2 and 10 more transcripts); c.2329A>G, p.Ile777Val (NM_001354225.2, NM_001354228.2, NM_001354232.2 and 6 more transcripts); c.2374A>G, p.Ile792Val (NM_001354230.2, NM_001354231.2, NM_001354237.2 and 5 more transcripts); c.2230A>G, p.Ile744Val (NM_001354245.2, NM_001354268.2); c.2242A>G, p.Ile748Val (NM_001354249.2, NM_001354264.2, NM_001354266.2 and 10 more transcripts); c.2167A>G, p.Ile723Val (NM_001354253.2, NM_001354257.2, NM_001354270.2 and 1 more transcripts); c.2143A>G, p.Ile715Val (NM_001354260.2, NM_001354271.2, NM_001386151.1); c.2287A>G, p.Ile763Val (NM_001354261.2, NM_001386147.1, NM_001386160.1); and 8 more; short protein forms I649V, I682V, I707V, I711V, I715V, I723V, I744V, I748V.
Identifiers: ClinVar variation 1187523 (VCV001187523.8), dbSNP rs757964072, ClinGen allele CA3050520.
Genomic context (GRCh38, chr4:113,292,467, plus strand): 5'-CCTCCACAGAACGGCTACACGCCTTTGCACCAGGCCGCTCAGCAGGGTCACACGCACATC[A>G]TCAACGTCCTGCTCCAGCATGGGGCCAAGCCCAACGCCACCACTGCGGTAAGGCAGACGC-3'
Protein context (NP_001139.3, residues 767-787): QAAQQGHTHI[Ile777Val]NVLLQHGAKP

ClinVar aggregate classification (germline): Conflicting classifications of pathogenicity. Review status: criteria provided, conflicting classifications (1 of 4 stars). 3 submissions from 3 submitters: Uncertain significance (2); Likely benign (1). Last evaluated 2025-05-21.

Conditions:
Long QT syndrome (LQTS). Identifiers: MedGen C0023976, MeSH D008133, MONDO:0002442. Disease mechanism: loss of function. Inheritance: Various modes of inheritance.
Cardiovascular phenotype. Identifiers: MedGen CN230736.

Allele frequency attached by ClinVar (database versions not stated): ExAC 0.00001; gnomAD 0.00001; gnomAD exomes 0.00001; TOPMed 0.00003.
gnomAD v4.1: 9 of 1,611,892 alleles (0.00056%); highest among the groups gnomAD compares: East Asian, 0.011%; no homozygotes.

Submissions (3):

Ambry Genetics
Classification: Likely benign for Cardiovascular phenotype. Last evaluated: 2025-05-21. Review status: criteria provided, single submitter. Criteria: Ambry Variant Classification Scheme 2023. Collection method: clinical testing. Allele origin: germline.

Labcorp Genetics (formerly Invitae), Labcorp
Classification: Uncertain significance for Long QT syndrome. Last evaluated: 2022-03-01. Review status: criteria provided, single submitter. Criteria: Invitae Variant Classification Sherloc (09022015). Collection method: clinical testing. Allele origin: germline.
Comment: ClinVar contains an entry for this variant (Variation ID: 1187523). Algorithms developed to predict the effect of missense changes on protein structure and function (SIFT, PolyPhen-2, Align-GVGD) all suggest that this variant is likely to be tolerated. In summary, the available evidence is currently insufficient to determine the role of this variant in disease. Therefore, it has been classified as a Variant of Uncertain Significance. This sequence change replaces isoleucine, which is neutral and non-polar, with valine, which is neutral and non-polar, at codon 777 of the ANK2 protein (p.Ile777Val). This variant is present in population databases (rs757964072, gnomAD 0.02%). This variant has not been reported in the literature in individuals affected with ANK2-related conditions.

GeneDx
Classification: Uncertain significance. Last evaluated: 2019-03-11. Review status: criteria provided, single submitter. Criteria: GeneDx Variant Classification Process June 2021. Collection method: clinical testing. Allele origin: germline. Affected: yes.
Comment: Has not been previously published as pathogenic or benign to our knowledge; Not observed at a significant frequency in large population cohorts (Lek et al., 2016); In silico analysis, which includes protein predictors and evolutionary conservation, supports that this variant does not alter protein structure/function